The following is an entry in ClinVar:

ClinVar aggregate classification (germline): Likely benign. Review status: criteria provided, multiple submitters, no conflicts (2 of 4 stars). 2 submissions from 2 submitters: Likely benign (2). Last evaluated 2025-05-01.

Conditions:
Spastic ataxia 2. Also called: Ataxia, spastic, 2, autosomal recessive. Identifiers: Orphanet 397946, MedGen C1969796, MONDO:0012651, OMIM 611302.

Allele frequency attached by ClinVar (database versions not stated): gnomAD 0.00001; TOPMed 0.00002.
gnomAD v4.1: 12 of 1,551,440 alleles (0.00077%); highest among the groups gnomAD compares: East Asian, 0.0023%; no homozygotes.

Submissions (2):

Labcorp Genetics (formerly Invitae), Labcorp
Classification: Likely benign for Spastic ataxia 2. Last evaluated: 2025-05-01. Review status: criteria provided, single submitter. Criteria: Invitae Variant Classification Sherloc (09022015). Collection method: clinical testing. Allele origin: germline.

CeGaT Center for Human Genetics Tuebingen
Classification: Likely benign. Last evaluated: 2022-10-01. Review status: criteria provided, single submitter. Criteria: CeGaT Center For Human Genetics Tuebingen Variant Classification Criteria Version 2. Collection method: clinical testing. Allele origin: germline. Affected: yes. Observed: 1 variant allele.
Comment: KIF1C: BP4, BP7

NM_006612.6(KIF1C):c.3063G>A (p.Pro1021=)

Gene: KIF1C (kinesin family member 1C; plus strand). Cytogenetic location: 17p13.2.
Variant type: single nucleotide variant.
Coding change: c.3063G>A on transcript NM_006612.6 (MANE Select); coding-DNA position 3063, G replaced by A.
Protein change: p.Pro1021=; no amino-acid change (proline 1021 retained).
Molecular consequence: synonymous variant.
Genome position (GRCh38, 1-based): chr17:5,023,902, G>A. VCF-style: chr17-5023902-G-A. GRCh37 (hg19) VCF-style: chr17-4927197-G-A.
Identifiers: ClinVar variation 1879356 (VCV001879356.31), dbSNP rs762990681, ClinGen allele CA497673834.